The following is an entry in ClinVar:

ClinVar aggregate classification (germline): Benign (1 of 4 stars; one submission).

Submission:

CeGaT Center for Human Genetics Tuebingen
Classification: Benign. Last evaluated: 2022-08-01. Review status: criteria provided, single submitter. Criteria: CeGaT Center For Human Genetics Tuebingen Variant Classification Criteria Version 2. Collection method: clinical testing. Allele origin: germline. Affected: yes. Observed: 1 variant allele.
Comment: KCNQ1OT1: BS1, BS2

NM_000218.3(KCNQ1):c.1393+21883_1393+21891del

Genes: KCNQ1 (potassium voltage-gated channel subfamily Q member 1; plus strand), KCNQ1OT1 (KCNQ1 opposite strand/antisense transcript 1; minus strand). Cytogenetic location: 11p15.5.
Variant type: Deletion.
Coding change: c.1393+21883_1393+21891del on transcript NM_000218.3 (MANE Select); bases 21883 to 21891 of the intron after coding-DNA position 1393, 9 bases deleted (TTTTTTTTT; older notation c.1393+21883_1393+21891delTTTTTTTTT).
Molecular consequence: intron variant. On other transcripts: non-coding transcript variant (1).
Genome position (GRCh38, 1-based): chr11:2,610,737-2,610,745, TTTTTTTTT deleted; deleting any 9 consecutive bases within chr11:2,610,717-2,610,745 gives the same sequence; the c. name uses the placement nearest the transcript's 3' end. VCF-style (leftmost placement, unchanged base first): chr11-2610716-CTTTTTTTTT-C. GRCh37 (hg19) VCF-style: chr11-2631946-CTTTTTTTTT-C.
Other names: c.1123+21883_1123+21891del (NM_001406837.1); c.1297+21883_1297+21891del (NM_001406836.1); c.853+21883_853+21891del (NM_001406838.1); c.1012+21883_1012+21891del (NM_181798.2).
Identifiers: ClinVar variation 2641365 (VCV002641365.24), dbSNP rs1167505141, ClinGen allele CA675037186.